The following is an entry in ClinVar:

NM_004204.5(PIGQ):c.1640C>G (p.Pro547Arg)

Gene: PIGQ (phosphatidylinositol glycan anchor biosynthesis class Q; plus strand). Cytogenetic location: 16p13.3.
Variant type: single nucleotide variant.
Coding change: c.1640C>G on transcript NM_004204.5 (MANE Select); coding-DNA position 1640, C replaced by G.
Protein change: p.Pro547Arg; replaces proline 547 with arginine.
Molecular consequence: missense variant. On other transcripts: synonymous variant (1).
Genome position (GRCh38, 1-based): chr16:582,929, C>G. VCF-style: chr16-582929-C-G. GRCh37 (hg19) VCF-style: chr16-632929-C-G.
Other names: c.1578C>G, p.Pro526= (NM_148920.4); short protein forms P547R.
Identifiers: ClinVar variation 1024753 (VCV001024753.6), dbSNP rs1243574378, ClinGen allele CA394061781.

ClinVar aggregate classification (germline): Uncertain significance (1 of 4 stars; one submission).

Conditions:
Epilepsy. Also called: Seizure disorder. Identifiers: MedGen C0014544, MeSH D004827, MONDO:0005027.

Allele frequency attached by ClinVar (database versions not stated): gnomAD 0.00001; TOPMed 0.00001; gnomAD exomes 0.00002.
gnomAD v4.1: 34 of 1,612,538 alleles (0.0021%); highest among the groups gnomAD compares: Non-Finnish European, 0.0029%; no homozygotes.

Submission:

Labcorp Genetics (formerly Invitae), Labcorp
Classification: Uncertain significance for Epilepsy. Last evaluated: 2022-02-03. Review status: criteria provided, single submitter. Criteria: Invitae Variant Classification Sherloc (09022015). Collection method: clinical testing. Allele origin: germline.
Comment: In summary, the available evidence is currently insufficient to determine the role of this variant in disease. Therefore, it has been classified as a Variant of Uncertain Significance. Algorithms developed to predict the effect of missense changes on protein structure and function are either unavailable or do not agree on the potential impact of this missense change (SIFT: "Tolerated"; PolyPhen-2: "Possibly Damaging"; Align-GVGD: "Class C0"). ClinVar contains an entry for this variant (Variation ID: 1024753). This variant has not been reported in the literature in individuals affected with PIGQ-related conditions. This variant is not present in population databases (gnomAD no frequency). This sequence change replaces proline, which is neutral and non-polar, with arginine, which is basic and polar, at codon 547 of the PIGQ protein (p.Pro547Arg).